The following is an entry in ClinVar:

NM_001145358.2(SIN3A):c.2485G>C (p.Gly829Arg)

Gene: SIN3A (SIN3 transcription regulator family member A; minus strand). Cytogenetic location: 15q24.2.
Variant type: single nucleotide variant.
Coding change: c.2485G>C on transcript NM_001145358.2 (MANE Select); coding-DNA position 2485, G replaced by C.
Protein change: p.Gly829Arg; replaces glycine 829 with arginine.
Molecular consequence: missense variant.
Genome position (GRCh38, 1-based): chr15:75,392,608, C>G on the plus strand (G>C on the coding strand, the complement: SIN3A is on the minus strand). VCF-style: chr15-75392608-C-G. GRCh37 (hg19) VCF-style: chr15-75684949-C-G.
Other names: c.2485G>C, p.Gly829Arg (NM_001145357.2, NM_015477.3); short protein forms G829R.
Identifiers: ClinVar variation 1342510 (VCV001342510.3), dbSNP rs2073227641, ClinGen allele CA393491454.

ClinVar aggregate classification (germline): Uncertain significance. Review status: criteria provided, multiple submitters, no conflicts (2 of 4 stars). 2 submissions from 2 submitters: Uncertain significance (2). Last evaluated 2024-05-06.

Conditions:
SIN3A-related intellectual disability syndrome due to a point mutation. Also called: WITTEVEEN-KOLK SYNDROME; 15q24 Microdeletion Syndrome. Identifiers: Orphanet 500166, Orphanet 94065, MedGen C4310804, MONDO:0044700, OMIM 613406.

Submissions (2):

Labcorp Genetics (formerly Invitae), Labcorp
Classification: Uncertain significance. Last evaluated: 2024-05-06. Review status: criteria provided, single submitter. Criteria: Invitae Variant Classification Sherloc (09022015). Collection method: clinical testing. Allele origin: germline.
Comment: This sequence change replaces glycine, which is neutral and non-polar, with arginine, which is basic and polar, at codon 829 of the SIN3A protein (p.Gly829Arg). This variant is not present in population databases (gnomAD no frequency). This variant has not been reported in the literature in individuals affected with SIN3A-related conditions. ClinVar contains an entry for this variant (Variation ID: 1342510). Advanced modeling of protein sequence and biophysical properties (such as structural, functional, and spatial information, amino acid conservation, physicochemical variation, residue mobility, and thermodynamic stability) performed at Invitae indicates that this missense variant is not expected to disrupt SIN3A protein function with a negative predictive value of 80%. In summary, the available evidence is currently insufficient to determine the role of this variant in disease. Therefore, it has been classified as a Variant of Uncertain Significance.

New York Genome Center
Classification: Uncertain significance for SIN3A-related intellectual disability syndrome due to a point mutation. Last evaluated: 2021-04-09. Review status: criteria provided, single submitter. Criteria: NYGC Assertion Criteria 2020. Collection method: clinical testing. Allele origin: inherited. Observed: 1 heterozygote. Study: CSER-NYCKidSeq.